The following is an entry in ClinVar:

NM_005630.3(SLCO2A1):c.74G>T (p.Arg25Leu)

Gene: SLCO2A1 (solute carrier organic anion transporter family member 2A1; minus strand). Cytogenetic location: 3q22.2.
Variant type: single nucleotide variant.
Coding change: c.74G>T on transcript NM_005630.3 (MANE Select); coding-DNA position 74, G replaced by T.
Protein change: p.Arg25Leu; replaces arginine 25 with leucine.
Molecular consequence: missense variant.
Genome position (GRCh38, 1-based): chr3:134,029,729, C>A on the plus strand (G>T on the coding strand, the complement: SLCO2A1 is on the minus strand). VCF-style: chr3-134029729-C-A. GRCh37 (hg19) VCF-style: chr3-133748573-C-A.
Other names: short protein forms R25L.
Identifiers: ClinVar variation 1481266 (VCV001481266.6), dbSNP rs370772926, ClinGen allele CA354617640.

ClinVar aggregate classification (germline): Uncertain significance (1 of 4 stars; one submission).

gnomAD v4.1: 4 of 1,588,510 alleles (0.00025%); highest among the groups gnomAD compares: Non-Finnish European, 0.00034%; no homozygotes.

Submission:

Labcorp Genetics (formerly Invitae), Labcorp
Classification: Uncertain significance. Last evaluated: 2025-02-10. Review status: criteria provided, single submitter. Criteria: Invitae Variant Classification Sherloc (09022015). Collection method: clinical testing. Allele origin: germline.
Comment: This sequence change replaces arginine, which is basic and polar, with leucine, which is neutral and non-polar, at codon 25 of the SLCO2A1 protein (p.Arg25Leu). This variant is not present in population databases (gnomAD no frequency). This variant has not been reported in the literature in individuals affected with SLCO2A1-related conditions. ClinVar contains an entry for this variant (Variation ID: 1481266). Invitae Evidence Modeling of protein sequence and biophysical properties (such as structural, functional, and spatial information, amino acid conservation, physicochemical variation, residue mobility, and thermodynamic stability) indicates that this missense variant is not expected to disrupt SLCO2A1 protein function with a negative predictive value of 95%. In summary, the available evidence is currently insufficient to determine the role of this variant in disease. Therefore, it has been classified as a Variant of Uncertain Significance.